The following is an entry in ClinVar:

ClinVar aggregate classification (germline): Uncertain significance (1 of 4 stars; one submission).

Submission:

GeneDx
Classification: Uncertain significance. Last evaluated: 2020-02-14. Review status: criteria provided, single submitter. Criteria: GeneDx Variant Classification Process June 2021. Collection method: clinical testing. Allele origin: germline. Affected: yes.
Comment: Not observed in large population cohorts (Lek et al., 2016); Missense variants in this gene are often considered pathogenic (Stenson et al., 2014); In silico analysis supports that this missense variant has a deleterious effect on protein structure/function; Has not been previously published as pathogenic or benign to our knowledge

NM_178012.5(TUBB2B):c.1037C>T (p.Pro346Leu)

Gene: TUBB2B (tubulin beta 2B class IIb; minus strand). Cytogenetic location: 6p25.2.
Variant type: single nucleotide variant.
Coding change: c.1037C>T on transcript NM_178012.5 (MANE Select); coding-DNA position 1037, C replaced by T.
Protein change: p.Pro346Leu; replaces proline 346 with leucine.
Molecular consequence: missense variant.
Genome position (GRCh38, 1-based): chr6:3,225,052, G>A on the plus strand (C>T on the coding strand, the complement: TUBB2B is on the minus strand). VCF-style: chr6-3225052-G-A. GRCh37 (hg19) VCF-style: chr6-3225286-G-A.
Other names: short protein forms P346L.
Identifiers: ClinVar variation 1311989 (VCV001311989.2), dbSNP rs2113818963, ClinGen allele CA362586043.
Genomic context (GRCh38, chr6:3,225,052, plus strand): 5'-GTGGCCGACATCTTCAGGCCGCGGGGCGGGATGTCGCACACGGCCGTCTTCACGTTGTTG[G>A]GGATCCACTCCACGAAGTAGCTGCTGTTCTTGTTCTGCACGTTGAGCATCTGCTCGTCCA-3'
Protein context (NP_821080.1, residues 336-356): KNSSYFVEWI[Pro346Leu]NNVKTAVCDI